The following is an entry in ClinVar:

NM_005633.4(SOS1):c.1075-16C>T

Gene: SOS1 (SOS Ras/Rac guanine nucleotide exchange factor 1; minus strand). Cytogenetic location: 2p22.1.
Variant type: single nucleotide variant.
Coding change: c.1075-16C>T on transcript NM_005633.4 (MANE Select); 16 bases into the intron before coding-DNA position 1075, C replaced by T.
Molecular consequence: intron variant.
Genome position (GRCh38, 1-based): chr2:39,024,153, G>A on the plus strand (C>T on the coding strand, the complement: SOS1 is on the minus strand). VCF-style: chr2-39024153-G-A. GRCh37 (hg19) VCF-style: chr2-39251294-G-A.
Other names: c.1054-16C>T (NM_001382394.1); c.1075-16C>T (NM_001382395.1).
Identifiers: ClinVar variation 932037 (VCV000932037.8), dbSNP rs112540686, ClinGen allele CA45675737.
Genomic context (GRCh38, chr2:39,024,153, plus strand): 5'-TAAACATTCCTTGTCTTCTTGATCTTCACTTTTTTCTTCTAACTGCTGTAAAGCCAAAAT[G>A]ACAAATCTGAACCAGTAGTACATTTTTGGATAAAATAATAATAAACTCATTTAAGGATAA-3'

ClinVar aggregate classification (germline): Conflicting classifications of pathogenicity. Review status: criteria provided, conflicting classifications (1 of 4 stars). 3 submissions from 3 submitters: Uncertain significance (2); Likely benign (1). Last evaluated 2025-11-18.

Conditions:
Fibromatosis, gingival, 1 (GINGF1). Identifiers: Orphanet 2024, MedGen C4551558, MONDO:0007609, OMIM 135300.
RASopathy. Also called: rasopathies; Noonan spectrum disorder. Identifiers: Orphanet 536391, MedGen C5555857, MONDO:0021060.
Noonan syndrome 4 (NS4). Also called: NOONAN SYNDROME WITH PIGMENTED VILLONODULAR SYNOVITIS; SOS1-Related Noonan Syndrome. Identifiers: Orphanet 648, MedGen C1853120, MONDO:0012547, OMIM 610733.

Allele frequency attached by ClinVar (database versions not stated): gnomAD 0.00001.
gnomAD v4.1: 24 of 1,601,534 alleles (0.0015%); highest among the groups gnomAD compares: African/African-American, 0.008%; 1 homozygote.

Submissions (3):

Labcorp Genetics (formerly Invitae), Labcorp
Classification: Likely benign for RASopathy. Last evaluated: 2025-11-18. Review status: criteria provided, single submitter. Criteria: Invitae Variant Classification Sherloc (09022015). Collection method: clinical testing. Allele origin: germline.

Fulgent Genetics
Classification: Uncertain significance for Fibromatosis, gingival, 1; Noonan syndrome 4. Last evaluated: 2021-07-15. Review status: criteria provided, single submitter. Criteria: ACMG Guidelines, 2015. Collection method: clinical testing. Allele origin: unknown.

Centre for Mendelian Genomics, University Medical Centre Ljubljana
Classification: Uncertain significance for Fibromatosis, gingival, 1. Last evaluated: 2019-05-09. Review status: criteria provided, single submitter. Criteria: ACMG Guidelines, 2015. Collection method: clinical testing. Allele origin: unknown. Affected: yes.
Comment: This variant was classified as: Uncertain significance. The available evidence on this variant's pathogenicity is insufficient or conflicting. The following ACMG criteria were applied in classifying this variant: PM2,BP4.